The following is an entry in ClinVar:

ClinVar aggregate classification (germline): Uncertain significance (1 of 4 stars; one submission).

Conditions:
Xeroderma pigmentosum, group F (XPF). Also called: ERCC4-Related Xeroderma Pigmentosum; XERODERMA PIGMENTOSUM, COMPLEMENTATION GROUP F; XERODERMA PIGMENTOSUM VI; XP, GROUP F; XERODERMA PIGMENTOSUM, TYPE F; Xeroderma pigmentosum, type 6. Identifiers: MedGen C0268140, MONDO:0010215, OMIM 278760.
Fanconi anemia complementation group Q. Identifiers: Orphanet 84, MedGen C3808988, MONDO:0014108, OMIM 615272.
Cockayne syndrome. Identifiers: Orphanet 191, MedGen C0009207, MONDO:0016006.

Allele frequency attached by ClinVar (database versions not stated): gnomAD exomes 0.00001; ExAC 0.00002.
gnomAD v4.1: 21 of 1,614,234 alleles (0.0013%); highest among the groups gnomAD compares: South Asian, 0.023%; no homozygotes.

Submission:

Labcorp Genetics (formerly Invitae), Labcorp
Classification: Uncertain significance for Fanconi anemia complementation group Q; Xeroderma pigmentosum, group F; Cockayne syndrome. Last evaluated: 2023-04-12. Review status: criteria provided, single submitter. Criteria: Invitae Variant Classification Sherloc (09022015). Collection method: clinical testing. Allele origin: germline.
Comment: In summary, the available evidence is currently insufficient to determine the role of this variant in disease. Therefore, it has been classified as a Variant of Uncertain Significance. Advanced modeling of protein sequence and biophysical properties (such as structural, functional, and spatial information, amino acid conservation, physicochemical variation, residue mobility, and thermodynamic stability) performed at Invitae indicates that this missense variant is expected to disrupt ERCC4 protein function. This variant has not been reported in the literature in individuals affected with ERCC4-related conditions. This variant is present in population databases (rs778971103, gnomAD 0.02%). This sequence change replaces isoleucine, which is neutral and non-polar, with methionine, which is neutral and non-polar, at codon 759 of the ERCC4 protein (p.Ile759Met).

NM_005236.3(ERCC4):c.2277T>G (p.Ile759Met)

Gene: ERCC4 (ERCC excision repair 4, endonuclease catalytic subunit; plus strand). Cytogenetic location: 16p13.12.
Variant type: single nucleotide variant.
Coding change: c.2277T>G on transcript NM_005236.3 (MANE Select); coding-DNA position 2277, T replaced by G.
Protein change: p.Ile759Met; replaces isoleucine 759 with methionine.
Molecular consequence: missense variant.
Genome position (GRCh38, 1-based): chr16:13,947,873, T>G. VCF-style: chr16-13947873-T-G. GRCh37 (hg19) VCF-style: chr16-14041730-T-G.
Other names: short protein forms I759M.
Identifiers: ClinVar variation 2931754 (VCV002931754.3), dbSNP rs778971103, ClinGen allele CA7910716.
Genomic context (GRCh38, chr16:13,947,873, plus strand): 5'-CCGCCTCTACAGCCAGTGCATCTCCATGTCCCGCTACTACAAGCGTCCCGTGCTTCTGAT[T>G]GAGTTTGACCCTAGCAAGCCTTTCTCTCTCACTTCCCGAGGTGCCTTGTTTCAGGAGATC-3'
Protein context (NP_005227.1, residues 749-769): SRYYKRPVLL[Ile759Met]EFDPSKPFSL